The following is an entry in ClinVar:

ClinVar aggregate classification (germline): Uncertain significance (0 of 4 stars; one submission).

Conditions:
PHF3-related disorder. Also called: PHF3-related condition.

Submission:

PreventionGenetics, part of Exact Sciences
Classification: Uncertain significance for PHF3-related condition. Last evaluated: 2023-11-06. Review status: no assertion criteria provided. Collection method: clinical testing. Allele origin: germline.
Comment: The PHF3 c.5872_5873delGA variant is predicted to result in a frameshift and premature protein termination (p.Asp1958Glnfs*11). To our knowledge, this variant has not been reported in the literature or in a large population database, indicating this variant is rare. This chain terminating variant occurs in the last exon and is not anticipated to result in nonsense mediated decay. At this time, the clinical significance of this variant is uncertain due to the absence of conclusive functional and genetic evidence.

NM_001370348.2(PHF3):c.5872_5873del (p.Asp1958fs)

Gene: PHF3 (PHD finger protein 3; plus strand). Cytogenetic location: 6q12.
Variant type: Microsatellite.
Coding change: c.5872_5873del on transcript NM_001370348.2 (MANE Select); coding-DNA positions 5872 to 5873, 2 bases deleted (GA; older notation c.5872_5873delGA).
Protein change: p.Asp1958fs; shifts the reading frame from aspartic acid 1958.
Molecular consequence: frameshift variant.
Genome position (GRCh38, 1-based): chr6:63,713,460-63,713,461, GA deleted; deleting any 2 consecutive bases within chr6:63,713,457-63,713,461 gives the same sequence; the c. name uses the placement nearest the transcript's 3' end. VCF-style (leftmost placement, unchanged base first): chr6-63713456-CAG-C. GRCh37 (hg19) VCF-style: chr6-64423352-CAG-C.
Other names: c.5608_5609del, p.Asp1870fs (NM_001290259.2, NM_001370349.2); c.3679_3680del, p.Asp1227fs (NM_001370350.2); c.5872_5873del, p.Asp1958fs (NM_015153.4); short protein forms D1227fs, D1870fs, D1958fs.
Identifiers: ClinVar variation 3031910 (VCV003031910.2), dbSNP rs2533355575, ClinGen allele CA2740091364.